The following is an entry in ClinVar:

ClinVar aggregate classification (germline): Pathogenic (1 of 4 stars; one submission).

Conditions:
Citrullinemia. Identifiers: Orphanet 187, MedGen C0175683, MONDO:0015991.

Submission:

Labcorp Genetics (formerly Invitae), Labcorp
Classification: Pathogenic for Citrullinemia. Last evaluated: 2022-07-13. Review status: criteria provided, single submitter. Criteria: Invitae Variant Classification Sherloc (09022015). Collection method: clinical testing. Allele origin: germline.
Comment: This variant results in the deletion of part of exon 12 (c.827_838+25del) of the ASS1 gene. It is expected to disrupt RNA splicing. Variants that disrupt the donor or acceptor splice site typically lead to a loss of protein function (PMID: 16199547), and loss-of-function variants in ASS1 are known to be pathogenic (PMID: 18473344, 19006241). This variant is not present in population databases (gnomAD no frequency). This variant has not been reported in the literature in individuals affected with ASS1-related conditions. Algorithms developed to predict the effect of sequence changes on RNA splicing suggest that this variant may disrupt the consensus splice site. This variant disrupts a region of the ASS1 protein in which other variant(s) (p.Arg279Gln) have been determined to be pathogenic (PMID: 9090528, 16475226, 23099195; Invitae). This suggests that this is a clinically significant region of the protein, and that variants that disrupt it are likely to be disease-causing. For these reasons, this variant has been classified as Pathogenic.

Literature cited by the submitters: PubMed 16199547; PubMed 18473344; PubMed 19006241; PubMed 9090528; PubMed 16475226; PubMed 23099195.

NM_054012.4(ASS1):c.827_838+25del

Gene: ASS1 (argininosuccinate synthase 1; plus strand). Cytogenetic location: 9q34.11.
Variant type: Deletion.
Coding change: c.827_838+25del on transcript NM_054012.4 (MANE Select); coding-DNA position 827 through 25 bases into the intron after coding-DNA position 838, 37 bases deleted.
Molecular consequence: splice donor variant.
Genome position (GRCh38, 1-based): chr9:130,480,438-130,480,474, 37 bases deleted. GRCh37 (hg19): chr9:133,355,825-133,355,861.
Other names: c.827_838+25del (NM_000050.4).
Identifiers: ClinVar variation 2016666 (VCV002016666.4), dbSNP rs2490592318, ClinGen allele CA2580079832.
Genomic context (GRCh38, chr9:130,480,437, plus strand): 5'-TCCCACAGGGGCAAGCATGGCGTGGGCCGTATTGACATCGTGGAGAACCGCTTCATTGGA[ATGAAGTCCCGAGGTGAGTCTGCTCAGCCTCCCTCAGG>A]GCCTGCCTCGGGACCCAGCAAACCCAGAGATCCCTGAGACCCTGTCCCCTTTGGACGCTA-3'